The following is an entry in ClinVar:

ClinVar aggregate classification (germline): Likely benign. Review status: criteria provided, multiple submitters, no conflicts (2 of 4 stars). 3 submissions from 3 submitters: Likely benign (3). Last evaluated 2025-12-19.

Conditions:
Hereditary cancer-predisposing syndrome. Also called: Neoplastic Syndromes, Hereditary; Hereditary neoplastic syndrome; Hereditary Cancer Syndrome; Tumor predisposition. Identifiers: Orphanet 140162, MedGen C0027672, MeSH D009386, MONDO:0015356.
POLD1-related polyposis and colorectal cancer syndrome (CRCS10). Also called: Colorectal cancer, susceptibility to, 10; Colorectal cancer 10; COLORECTAL CANCER, SUSCEPTIBILITY TO, ON CHROMOSOME 19q. Identifiers: Orphanet 220460, MedGen C2675481, MONDO:0012953, OMIM 612591.

Allele frequency attached by ClinVar (database versions not stated): TOPMed 0.00001; gnomAD exomes 0.00002 and 0.00003; ExAC 0.00003; gnomAD 0.00003.
gnomAD v4.1: 32 of 1,608,938 alleles (0.002%); highest among the groups gnomAD compares: African/African-American, 0.0093%; no homozygotes.

Submissions (3):

Labcorp Genetics (formerly Invitae), Labcorp
Classification: Likely benign for POLD1-related polyposis and colorectal cancer syndrome. Last evaluated: 2025-12-19. Review status: criteria provided, single submitter. Criteria: Invitae Variant Classification Sherloc (09022015). Collection method: clinical testing. Allele origin: germline.

GeneDx
Classification: Likely benign. Last evaluated: 2021-03-15. Review status: criteria provided, single submitter. Criteria: GeneDx Variant Classification Process June 2021. Collection method: clinical testing. Allele origin: germline. Affected: yes.
Comment: This variant is associated with the following publications: (PMID: 25303977)

Ambry Genetics
Classification: Likely benign for Hereditary cancer-predisposing syndrome. Last evaluated: 2017-01-05. Review status: criteria provided, single submitter. Criteria: Ambry Variant Classification Scheme 2023. Collection method: clinical testing. Allele origin: germline.

NM_002691.4(POLD1):c.2274C>T (p.Ser758=)

Gene: POLD1 (DNA polymerase delta 1, catalytic subunit; plus strand). Cytogenetic location: 19q13.33.
Variant type: single nucleotide variant.
Coding change: c.2274C>T on transcript NM_002691.4 (MANE Select); coding-DNA position 2274, C replaced by T.
Protein change: p.Ser758=; no amino-acid change (serine 758 retained).
Molecular consequence: synonymous variant. On other transcripts: non-coding transcript variant (1).
Genome position (GRCh38, 1-based): chr19:50,413,765, C>T. VCF-style: chr19-50413765-C-T. GRCh37 (hg19) VCF-style: chr19-50917022-C-T.
Other names: c.2274C>T, p.Ser758= (NM_001256849.1); c.2352C>T, p.Ser784= (NM_001308632.1).
Identifiers: ClinVar variation 414732 (VCV000414732.19), dbSNP rs776358416, ClinGen allele CA9596470.